The following is an entry in ClinVar:

ClinVar aggregate classification (germline): Pathogenic (1 of 4 stars; one submission).

Conditions:
Actin accumulation myopathy (CMYO2A). Also called: CONGENITAL MYOPATHY 2A, TYPICAL, AUTOSOMAL DOMINANT; Myopathy, actin, congenital, with cores; Nemaline myopathy 3, with intranuclear rods; Nemaline myopathy type 3; Myopathy, actin, congenital, with excess of thin myofilaments. Identifiers: Orphanet 98904, MedGen C3711389, MONDO:0008070, OMIM 161800.

Submission:

Labcorp Genetics (formerly Invitae), Labcorp
Classification: Pathogenic for Actin accumulation myopathy. Last evaluated: 2024-11-18. Review status: criteria provided, single submitter. Criteria: Invitae Variant Classification Sherloc (09022015). Collection method: clinical testing. Allele origin: germline.
Comment: This sequence change replaces tyrosine, which is neutral and polar, with cysteine, which is neutral and slightly polar, at codon 281 of the ACTA1 protein (p.Tyr281Cys). This variant is not present in population databases (gnomAD no frequency). This missense change has been observed in individual(s) with congenital myopathy and/or nemaline myopathy (internal data). In at least one individual the variant was observed to be de novo. It has also been observed to segregate with disease in related individuals. ClinVar contains an entry for this variant (Variation ID: 848617). Invitae Evidence Modeling of protein sequence and biophysical properties (such as structural, functional, and spatial information, amino acid conservation, physicochemical variation, residue mobility, and thermodynamic stability) indicates that this missense variant is not expected to disrupt ACTA1 protein function with a negative predictive value of 80%. This variant disrupts the p.Tyr281 amino acid residue in ACTA1. Other variant(s) that disrupt this residue have been observed in individuals with ACTA1-related conditions (PMID: 12921789), which suggests that this may be a clinically significant amino acid residue. For these reasons, this variant has been classified as Pathogenic.

Literature cited by the submitters: PubMed 12921789.

NM_001100.4(ACTA1):c.842A>G (p.Tyr281Cys)

Gene: ACTA1 (actin alpha 1, skeletal muscle; minus strand). Cytogenetic location: 1q42.13.
Variant type: single nucleotide variant.
Coding change: c.842A>G on transcript NM_001100.4 (MANE Select); coding-DNA position 842, A replaced by G.
Protein change: p.Tyr281Cys; replaces tyrosine 281 with cysteine.
Molecular consequence: missense variant.
Genome position (GRCh38, 1-based): chr1:229,431,869, T>C on the plus strand (A>G on the coding strand, the complement: ACTA1 is on the minus strand). VCF-style: chr1-229431869-T-C. GRCh37 (hg19) VCF-style: chr1-229567616-T-C.
Other names: short protein forms Y281C.
Identifiers: ClinVar variation 848617 (VCV000848617.10), dbSNP rs1659944113, ClinGen allele CA345146119.